The following is an entry in ClinVar:

ClinVar aggregate classification (germline): Uncertain significance (1 of 4 stars; one submission).

Conditions:
Charcot-Marie-Tooth disease type 4. Also called: Charcot-Marie-Tooth, Type 4; Charcot-Marie-Tooth disease, type IV. Identifiers: Orphanet 64749, MedGen C4082197, MONDO:0018995.

Allele frequency attached by ClinVar (database versions not stated): gnomAD exomes below 0.00001.
gnomAD v4.1: 5 of 1,612,666 alleles (0.00031%); highest among the groups gnomAD compares: Non-Finnish European, 0.00042%; no homozygotes.

Submission:

Labcorp Genetics (formerly Invitae), Labcorp
Classification: Uncertain significance for Charcot-Marie-Tooth disease type 4. Last evaluated: 2022-05-21. Review status: criteria provided, single submitter. Criteria: Invitae Variant Classification Sherloc (09022015). Collection method: clinical testing. Allele origin: germline.
Comment: This sequence change replaces tryptophan, which is neutral and slightly polar, with arginine, which is basic and polar, at codon 488 of the MTMR2 protein (p.Trp488Arg). In summary, the available evidence is currently insufficient to determine the role of this variant in disease. Therefore, it has been classified as a Variant of Uncertain Significance. Advanced modeling of protein sequence and biophysical properties (such as structural, functional, and spatial information, amino acid conservation, physicochemical variation, residue mobility, and thermodynamic stability) performed at Invitae indicates that this missense variant is expected to disrupt MTMR2 protein function. This variant has not been reported in the literature in individuals affected with MTMR2-related conditions. This variant is not present in population databases (gnomAD no frequency).

NM_016156.6(MTMR2):c.1462T>C (p.Trp488Arg)

Gene: MTMR2 (myotubularin related protein 2; minus strand). Cytogenetic location: 11q21.
Variant type: single nucleotide variant.
Coding change: c.1462T>C on transcript NM_016156.6 (MANE Select); coding-DNA position 1462, T replaced by C.
Protein change: p.Trp488Arg; replaces tryptophan 488 with arginine.
Molecular consequence: missense variant.
Genome position (GRCh38, 1-based): chr11:95,841,634, A>G on the plus strand (T>C on the coding strand, the complement: MTMR2 is on the minus strand). VCF-style: chr11-95841634-A-G. GRCh37 (hg19) VCF-style: chr11-95574798-A-G.
Other names: c.1246T>C, p.Trp416Arg (NM_001243571.2, NM_201278.3, NM_201281.3); short protein forms W488R, W416R.
Identifiers: ClinVar variation 1997324 (VCV001997324.4), dbSNP rs2496435805, ClinGen allele CA382418868.